The following is an entry in ClinVar:

ClinVar aggregate classification (germline): Uncertain significance. Review status: criteria provided, multiple submitters, no conflicts (2 of 4 stars). 3 submissions from 3 submitters: Uncertain significance (2). 1 of the submissions does not count toward it. Last evaluated 2024-02-05.

Conditions:
Hereditary cancer-predisposing syndrome. Also called: Hereditary Cancer Syndrome; Hereditary neoplastic syndrome; Tumor predisposition; Neoplastic Syndromes, Hereditary. Identifiers: Orphanet 140162, MedGen C0027672, MeSH D009386, MONDO:0015356.

Allele frequency attached by ClinVar (database versions not stated): gnomAD 0.00001; TOPMed 0.00001.
gnomAD v4.1: 1 of 1,611,388 alleles (0.000062%); highest among the groups gnomAD compares: Non-Finnish European, 0.000085%; no homozygotes.

Submissions (3):

Labcorp Genetics (formerly Invitae), Labcorp
Classification: Uncertain significance. Last evaluated: 2024-02-05. Review status: criteria provided, single submitter. Criteria: Invitae Variant Classification Sherloc (09022015). Collection method: clinical testing. Allele origin: germline.
Comment: This sequence change replaces asparagine, which is neutral and polar, with aspartic acid, which is acidic and polar, at codon 1702 of the POLE protein (p.Asn1702Asp). This variant is not present in population databases (gnomAD no frequency). This variant has not been reported in the literature in individuals affected with POLE-related conditions. ClinVar contains an entry for this variant (Variation ID: 549726). Advanced modeling of protein sequence and biophysical properties (such as structural, functional, and spatial information, amino acid conservation, physicochemical variation, residue mobility, and thermodynamic stability) performed at Invitae indicates that this missense variant is not expected to disrupt POLE protein function with a negative predictive value of 80%. In summary, the available evidence is currently insufficient to determine the role of this variant in disease. Therefore, it has been classified as a Variant of Uncertain Significance.

Ambry Genetics
Classification: Uncertain significance for Hereditary cancer-predisposing syndrome. Last evaluated: 2023-12-23. Review status: criteria provided, single submitter. Criteria: Ambry Variant Classification Scheme 2023. Collection method: clinical testing. Allele origin: germline.
Comment: The p.N1702D variant (also known as c.5104A>G), located in coding exon 38 of the POLE gene, results from an A to G substitution at nucleotide position 5104. The asparagine at codon 1702 is replaced by aspartic acid, an amino acid with highly similar properties. This amino acid position is conserved. In addition, this alteration is predicted to be tolerated by in silico analysis. Since supporting evidence is limited at this time, the clinical significance of this alteration remains unclear.

True Health Diagnostics
Classification: Uncertain significance for Hereditary cancer-predisposing syndrome. Last evaluated: 2017-11-10. Review status: no assertion criteria provided. Collection method: clinical testing. Allele origin: germline. Not counted in ClinVar's aggregate classification.

NM_006231.4(POLE):c.5104A>G (p.Asn1702Asp)

Gene: POLE (DNA polymerase epsilon, catalytic subunit; minus strand). Cytogenetic location: 12q24.33.
Variant type: single nucleotide variant.
Coding change: c.5104A>G on transcript NM_006231.4 (MANE Select); coding-DNA position 5104, A replaced by G.
Protein change: p.Asn1702Asp; replaces asparagine 1702 with aspartic acid.
Molecular consequence: missense variant.
Genome position (GRCh38, 1-based): chr12:132,642,246, T>C on the plus strand (A>G on the coding strand, the complement: POLE is on the minus strand). VCF-style: chr12-132642246-T-C. GRCh37 (hg19) VCF-style: chr12-133218832-T-C.
Other names: c.5104A>G (NM_006231.2); short protein forms N1702D.
Identifiers: ClinVar variation 549726 (VCV000549726.11), dbSNP rs1431532125, ClinGen allele CA387376906.
Genomic context (GRCh38, chr12:132,642,246, plus strand): 5'-AACAGCCTGAACTGTTGATCTCAACAGTGGCTTGGTCATCGAACTCCATGACAAGACAGT[T>C]GTCATCAGCCTCCTTTCCACCCAGGTCAGGGCGGGCTGTAGGGGACAGCCAGAGCAGGTG-3'
Protein context (NP_006222.2, residues 1692-1712): PDLGGKEADD[Asn1702Asp]CLVMEFDDQA